The following is an entry in ClinVar:

ClinVar aggregate classification (germline): Conflicting classifications of pathogenicity. Review status: criteria provided, conflicting classifications (1 of 4 stars). 6 submissions from 6 submitters: Uncertain significance (1); Benign (1); Likely benign (4). Last evaluated 2026-08-01.

Conditions:
Ullrich congenital muscular dystrophy 2 (UCMD2). Identifiers: Orphanet 75840, MedGen C4225314, MONDO:0014654, OMIM 616470.
Bethlem myopathy 2 (BTHLM2). Identifiers: Orphanet 536516, Orphanet 610, MedGen C4225313, MONDO:0034022, OMIM 616471.

Allele frequency attached by ClinVar (database versions not stated): 1000 Genomes Project 0.00020; 1000 Genomes Project 30x 0.00031; ExAC 0.00048; gnomAD 0.00054; TOPMed 0.00076; ESP Exome Variant Server 0.00099.
gnomAD v4.1: 1,466 of 1,613,894 alleles (0.091%); highest among the groups gnomAD compares: Non-Finnish European, 0.12%; 2 homozygotes.

Submissions (6):

CeGaT Center for Human Genetics Tuebingen
Classification: Likely benign. Last evaluated: 2026-08-01. Review status: criteria provided, single submitter. Criteria: CeGaT Center For Human Genetics Tuebingen Variant Classification Criteria Version 2. Collection method: clinical testing. Allele origin: germline. Affected: yes. Observed: 3 variant alleles.
Comment: COL12A1: BS1

Labcorp Genetics (formerly Invitae), Labcorp
Classification: Benign for Bethlem myopathy 2; Ullrich congenital muscular dystrophy 2. Last evaluated: 2026-01-27. Review status: criteria provided, single submitter. Criteria: Invitae Variant Classification Sherloc (09022015). Collection method: clinical testing. Allele origin: germline.

Mayo Clinic Laboratories, Mayo Clinic
Classification: Likely benign. Last evaluated: 2025-06-17. Review status: criteria provided, single submitter. Criteria: ACMG Guidelines, 2015. Collection method: clinical testing. Allele origin: germline. Observed: 8 variant alleles.
Comment: BS1

Women's Health and Genetics/Laboratory Corporation of America, LabCorp
Classification: Likely benign. Last evaluated: 2025-02-06. Review status: criteria provided, single submitter. Criteria: LabCorp Variant Classification Summary - May 2015. Collection method: clinical testing. Allele origin: germline.
Comment: Variant summary: COL12A1 c.7223C>T (p.Thr2408Met) results in a non-conservative amino acid change in the encoded protein sequence. Five of five in-silico tools predict a damaging effect of the variant on protein function. The variant allele was found at a frequency of 0.00059 in 249062 control chromosomes, predominantly at a frequency of 0.0011 within the Non-Finnish European subpopulation in the gnomAD database. The observed variant frequency within Non-Finnish European control individuals in the gnomAD database is approximately 1100 fold of the estimated maximal expected allele frequency for a pathogenic variant in COL12A1 causing Bethlem myopathy 2 phenotype (1e-06). To our knowledge, no occurrence of c.7223C>T in individuals affected with Bethlem myopathy 2 and no experimental evidence demonstrating its impact on protein function have been reported. ClinVar contains an entry for this variant (Variation ID: 475893). Based on the evidence outlined above, the variant was classified as likely benign.

Blueprint Genetics
Classification: Uncertain significance. Last evaluated: 2024-10-17. Review status: criteria provided, single submitter. Criteria: ACMG Guidelines, 2015. Collection method: clinical testing. Allele origin: germline.

GeneDx
Classification: Likely benign. Last evaluated: 2021-02-24. Review status: criteria provided, single submitter. Criteria: GeneDx Variant Classification Process June 2021. Collection method: clinical testing. Allele origin: germline. Affected: yes.

NM_004370.6(COL12A1):c.7223C>T (p.Thr2408Met)

Genes: COL12A1 (collagen type XII alpha 1 chain; minus strand), LOC126859712 (MED14-independent group 3 enhancer GRCh37_chr6:75828643-75829842; plus strand). Cytogenetic location: 6q13.
Variant type: single nucleotide variant.
Coding change: c.7223C>T on transcript NM_004370.6 (MANE Select); coding-DNA position 7223, C replaced by T.
Protein change: p.Thr2408Met; replaces threonine 2408 with methionine.
Molecular consequence: missense variant.
Genome position (GRCh38, 1-based): chr6:75,119,174, G>A on the plus strand (C>T on the coding strand, the complement: COL12A1 is on the minus strand). VCF-style: chr6-75119174-G-A. GRCh37 (hg19) VCF-style: chr6-75828890-G-A.
Other names: c.3731C>T, p.Thr1244Met (NM_080645.3); short protein forms T2408M, T1244M.
Identifiers: ClinVar variation 475893 (VCV000475893.43), dbSNP rs141593495, ClinGen allele CA3892611.